The following is an entry in ClinVar:

NM_007254.4(PNKP):c.1481_1500dup (p.Ile501fs)

Gene: PNKP (polynucleotide kinase 3'-phosphatase; minus strand). Cytogenetic location: 19q13.33.
Variant type: Duplication.
Coding change: c.1481_1500dup on transcript NM_007254.4 (MANE Select); coding-DNA positions 1481 to 1500, 20 bases duplicated (GCTTCTCTGCCATCCTGGAG).
Protein change: p.Ile501fs; shifts the reading frame from isoleucine 501.
Molecular consequence: frameshift variant.
Genome position (GRCh38, 1-based): chr19:49,861,314-49,861,333, CTCCAGGATGGCAGAGAAGC duplicated on the plus strand (GCTTCTCTGCCATCCTGGAG on the coding strand, the reverse complement: PNKP is on the minus strand); duplicating any 20 consecutive bases within chr19:49,861,314-49,861,335 gives the same sequence; the c. name uses the placement nearest the transcript's 3' end. VCF-style (leftmost placement, unchanged base first): chr19-49861313-T-TCTCCAGGATGGCAGAGAAGC. GRCh37 (hg19) VCF-style: chr19-50364570-T-TCTCCAGGATGGCAGAGAAGC.
Other names: short protein forms I501fs.
Identifiers: ClinVar variation 2028325 (VCV002028325.4), dbSNP rs2514631082, ClinGen allele CA2580097585.

ClinVar aggregate classification (germline): Pathogenic (1 of 4 stars; one submission).

Conditions:
Developmental and epileptic encephalopathy, 12 (DEE12). Identifiers: MedGen C3150988, MONDO:0013389, OMIM 613722.

Submission:

Labcorp Genetics (formerly Invitae), Labcorp
Classification: Pathogenic for Developmental and epileptic encephalopathy, 12. Last evaluated: 2023-12-07. Review status: criteria provided, single submitter. Criteria: Invitae Variant Classification Sherloc (09022015). Collection method: clinical testing. Allele origin: germline.
Comment: This sequence change results in a frameshift in the PNKP gene (p.Ile501Alafs*). While this is not anticipated to result in nonsense mediated decay, it is expected to disrupt the last 21 amino acid(s) of the PNKP protein and extend the protein by an uncertain number of amino acid residues. This variant is not present in population databases (gnomAD no frequency). This variant has not been reported in the literature in individuals affected with PNKP-related conditions. ClinVar contains an entry for this variant (Variation ID: 2028325). This variant disrupts a region of the PNKP protein in which other variant(s) (p.Gln517*) have been determined to be pathogenic (PMID: 30039206). This suggests that this is a clinically significant region of the protein, and that variants that disrupt it are likely to be disease-causing. For these reasons, this variant has been classified as Pathogenic.

Literature cited by the submitters: PubMed 30039206.